The following is an entry in ClinVar:

ClinVar aggregate classification (germline): Uncertain significance (1 of 4 stars; one submission).

gnomAD v4.1: 13 of 1,589,732 alleles (0.00082%); highest among the groups gnomAD compares: Non-Finnish European, 0.0011%; no homozygotes.

Submission:

Labcorp Genetics (formerly Invitae), Labcorp
Classification: Uncertain significance. Last evaluated: 2025-09-16. Review status: criteria provided, single submitter. Criteria: Invitae Variant Classification Sherloc (09022015). Collection method: clinical testing. Allele origin: germline.
Comment: This sequence change replaces alanine, which is neutral and non-polar, with valine, which is neutral and non-polar, at codon 1382 of the ALPK3 protein (p.Ala1382Val). This variant is not present in population databases (gnomAD no frequency). This variant has not been reported in the literature in individuals affected with ALPK3-related conditions. Invitae Evidence Modeling of protein sequence and biophysical properties (such as structural, functional, and spatial information, amino acid conservation, physicochemical variation, residue mobility, and thermodynamic stability) indicates that this missense variant is not expected to disrupt ALPK3 protein function with a negative predictive value of 80%. In summary, the available evidence is currently insufficient to determine the role of this variant in disease. Therefore, it has been classified as a Variant of Uncertain Significance.

NM_020778.5(ALPK3):c.3539C>T (p.Ala1180Val)

Gene: ALPK3 (alpha kinase 3; plus strand). Cytogenetic location: 15q25.3.
Variant type: single nucleotide variant.
Coding change: c.3539C>T on transcript NM_020778.5 (MANE Select); coding-DNA position 3539, C replaced by T.
Protein change: p.Ala1180Val; replaces alanine 1180 with valine.
Molecular consequence: missense variant.
Genome position (GRCh38, 1-based): chr15:84,858,277, C>T. VCF-style: chr15-84858277-C-T. GRCh37 (hg19) VCF-style: chr15-85401508-C-T.
Other names: short protein forms A1180V.
Identifiers: ClinVar variation 4776549 (VCV004776549.1).